The following is an entry in ClinVar:

NM_000051.4(ATM):c.8995G>C (p.Asp2999His)

Genes: ATM (ATM serine/threonine kinase; plus strand), C11orf65 (chromosome 11 open reading frame 65; minus strand). Cytogenetic location: 11q22.3.
Variant type: single nucleotide variant.
Coding change: c.8995G>C on transcript NM_000051.4 (MANE Select); coding-DNA position 8995, G replaced by C.
Protein change: p.Asp2999His; replaces aspartic acid 2999 with histidine.
Molecular consequence: missense variant. On other transcripts: intron variant (2).
Genome position (GRCh38, 1-based): chr11:108,365,332, G>C. VCF-style: chr11-108365332-G-C. GRCh37 (hg19) VCF-style: chr11-108236059-G-C.
Other names: c.8995G>C, p.Asp2999His (NM_001351834.2); c.640+20588C>G (NM_001330368.2); c.694+20588C>G (NM_001351110.2); short protein forms D2999H.
Identifiers: ClinVar variation 1765366 (VCV001765366.4), dbSNP rs2137904584, ClinGen allele CA382530801.

ClinVar aggregate classification (germline): Uncertain significance. Review status: criteria provided, multiple submitters, no conflicts (2 of 4 stars). 2 submissions from 2 submitters: Uncertain significance (2). Last evaluated 2024-02-24.

Conditions:
Hereditary cancer-predisposing syndrome. Also called: Hereditary neoplastic syndrome; Neoplastic Syndromes, Hereditary; Tumor predisposition; Hereditary Cancer Syndrome. Identifiers: Orphanet 140162, MedGen C0027672, MeSH D009386, MONDO:0015356.
Ataxia-telangiectasia syndrome (AT). Also called: Ataxia telangiectasia (A-T); LOUIS-BAR SYNDROME; Cerebello-oculocutaneous telangiectasia; Immunodeficiency with ataxia telangiectasia; Ataxia-telangiectasia, complementation group D; AT, COMPLEMENTATION GROUP C. Identifiers: Orphanet 100, MedGen C0004135, MONDO:0008840, OMIM 208900.

Submissions (2):

Labcorp Genetics (formerly Invitae), Labcorp
Classification: Uncertain significance for Ataxia-telangiectasia syndrome. Last evaluated: 2024-02-24. Review status: criteria provided, single submitter. Criteria: Invitae Variant Classification Sherloc (09022015). Collection method: clinical testing. Allele origin: germline.
Comment: This sequence change replaces aspartic acid, which is acidic and polar, with histidine, which is basic and polar, at codon 2999 of the ATM protein (p.Asp2999His). This variant is not present in population databases (gnomAD no frequency). This variant has not been reported in the literature in individuals affected with ATM-related conditions. ClinVar contains an entry for this variant (Variation ID: 1765366). An algorithm developed to predict the effect of missense changes on protein structure and function (PolyPhen-2) suggests that this variant is likely to be disruptive. In summary, the available evidence is currently insufficient to determine the role of this variant in disease. Therefore, it has been classified as a Variant of Uncertain Significance.

Ambry Genetics
Classification: Uncertain significance for Hereditary cancer-predisposing syndrome. Last evaluated: 2022-06-16. Review status: criteria provided, single submitter. Criteria: Ambry Variant Classification Scheme 2023. Collection method: clinical testing. Allele origin: germline.
Comment: The p.D2999H variant (also known as c.8995G>C), located in coding exon 62 of the ATM gene, results from a G to C substitution at nucleotide position 8995. The aspartic acid at codon 2999 is replaced by histidine, an amino acid with similar properties. This amino acid position is conserved. In addition, this alteration is predicted to be tolerated by in silico analysis. Since supporting evidence is limited at this time, the clinical significance of this alteration remains unclear.